The following is an entry in ClinVar:

NM_001042492.3(NF1):c.5735G>A (p.Ser1912Asn)

Gene: NF1 (neurofibromin 1; plus strand). Cytogenetic location: 17q11.2.
Variant type: single nucleotide variant.
Coding change: c.5735G>A on transcript NM_001042492.3 (MANE Select); coding-DNA position 5735, G replaced by A.
Protein change: p.Ser1912Asn; replaces serine 1912 with asparagine.
Molecular consequence: missense variant.
Genome position (GRCh38, 1-based): chr17:31,330,421, G>A. VCF-style: chr17-31330421-G-A. GRCh37 (hg19) VCF-style: chr17-29657439-G-A.
Other names: c.5672G>A, p.Ser1891Asn (NM_000267.4); short protein forms S1891N, S1912N.
Identifiers: ClinVar variation 2011974 (VCV002011974.4), dbSNP rs2151544791, ClinGen allele CA399010361.
Genomic context (GRCh38, chr17:31,330,421, plus strand): 5'-TACTAGAGACATCAGGTTTATGTATCCCTGCCAACAACACCCTCTTTATTGTCTCTATTA[G>A]TAAGACACTGGCAGCCAATGAGCCACACCTCACGTTAGAATTTTTGGAAGAGTGTATTTC-3'
Protein context (NP_001035957.1, residues 1902-1922): ANNTLFIVSI[Ser1912Asn]KTLAANEPHL

ClinVar aggregate classification (germline): Uncertain significance (1 of 4 stars; one submission).

Conditions:
Neurofibromatosis, type 1 (NF1). Also called: Neurofibromatosis, type I; Peripheral type neurofibromatosis; VON RECKLINGHAUSEN DISEASE; NEUROFIBROMATOSIS, TYPE I, SOMATIC. Identifiers: Orphanet 636, MedGen C0027831, MONDO:0018975, OMIM 162200. Disease mechanism: loss of function.

Submission:

Labcorp Genetics (formerly Invitae), Labcorp
Classification: Uncertain significance for Neurofibromatosis, type 1. Last evaluated: 2024-10-16. Review status: criteria provided, single submitter. Criteria: Invitae Variant Classification Sherloc (09022015). Collection method: clinical testing. Allele origin: germline.
Comment: This sequence change replaces serine, which is neutral and polar, with asparagine, which is neutral and polar, at codon 1891 of the NF1 protein (p.Ser1891Asn). This variant is not present in population databases (gnomAD no frequency). This variant has not been reported in the literature in individuals affected with NF1-related conditions. ClinVar contains an entry for this variant (Variation ID: 2011974). Invitae Evidence Modeling of protein sequence and biophysical properties (such as structural, functional, and spatial information, amino acid conservation, physicochemical variation, residue mobility, and thermodynamic stability) indicates that this missense variant is expected to disrupt NF1 protein function with a positive predictive value of 95%. This variant disrupts the p.Ser1891 amino acid residue in NF1. Other variant(s) that disrupt this residue have been determined to be pathogenic (PMID: 35885913; internal data). This suggests that this residue is clinically significant, and that variants that disrupt this residue are likely to be disease-causing. In summary, the available evidence is currently insufficient to determine the role of this variant in disease. Therefore, it has been classified as a Variant of Uncertain Significance.

Literature cited by the submitters: PubMed 35885913.